The following is an entry in ClinVar:

NM_002474.3(MYH11):c.4786A>C (p.Arg1596=)

Genes: MYH11 (myosin heavy chain 11; minus strand), NDE1 (nudE neurodevelopment protein 1; plus strand). Cytogenetic location: 16p13.11.
Variant type: single nucleotide variant.
Coding change: c.4786A>C on transcript NM_002474.3 (MANE Select); coding-DNA position 4786, A replaced by C.
Protein change: p.Arg1596=; no amino-acid change (arginine 1596 retained).
Molecular consequence: synonymous variant. On other transcripts: intron variant (2).
Genome position (GRCh38, 1-based): chr16:15,720,844, T>G on the plus strand (A>C on the coding strand, the complement: MYH11 is on the minus strand). VCF-style: chr16-15720844-T-G. GRCh37 (hg19) VCF-style: chr16-15814701-T-G.
Other names: c.4807A>C, p.Arg1603= (NM_001040113.2, NM_001040114.2); c.4786A>C, p.Arg1596= (NM_022844.3); c.948-3347T>G (NM_001143979.2, NM_017668.3).
Identifiers: ClinVar variation 697498 (VCV000697498.55), dbSNP rs754931029, ClinGen allele CA7921567.
Genomic context (GRCh38, chr16:15,720,844, plus strand): 5'-AGGAATGAAAAAGGCCACCCGACCTCCCTCTGCTGGCCTCCCCGGCAGCACGCACCTGTC[T>G]CTGCAGTTGCCTCCTCTTCTCCTCATTCTGCTCGTCCCGGGCTTGGAGATCCCTTTCGAA-3'
Protein context (NP_002465.1, residues 1586-1606): QNEEKRRQLQ[Arg1596=]QLHEYETELE

ClinVar aggregate classification (germline): Likely benign. Review status: criteria provided, multiple submitters, no conflicts (2 of 4 stars). 6 submissions from 6 submitters: Likely benign (6). Last evaluated 2025-07-01.

Conditions:
Familial thoracic aortic aneurysm and aortic dissection (TAAD). Also called: Thoracic aortic aneurysms and dissections. Identifiers: Orphanet 91387, MedGen C4707243, MONDO:0019625.
Aortic aneurysm, familial thoracic 4 (AAT4). Also called: AORTIC ANEURYSM/AORTIC DISSECTION AND PATENT DUCTUS ARTERIOSUS. Identifiers: MedGen C1851504, MONDO:0007568, OMIM 132900.

Allele frequency attached by ClinVar (database versions not stated): gnomAD exomes 0.00002 and 0.00004; TOPMed 0.00003; ExAC 0.00004.
gnomAD v4.1: 60 of 1,613,536 alleles (0.0037%); highest among the groups gnomAD compares: Non-Finnish European, 0.005%; no homozygotes.

Submissions (6):

CeGaT Center for Human Genetics Tuebingen
Classification: Likely benign. Last evaluated: 2025-07-01. Review status: criteria provided, single submitter. Criteria: CeGaT Center For Human Genetics Tuebingen Variant Classification Criteria Version 2. Collection method: clinical testing. Allele origin: germline. Affected: yes. Observed: 1 variant allele.
Comment: MYH11: BP4, BP7

Labcorp Genetics (formerly Invitae), Labcorp
Classification: Likely benign for Aortic aneurysm, familial thoracic 4. Last evaluated: 2025-06-15. Review status: criteria provided, single submitter. Criteria: Invitae Variant Classification Sherloc (09022015). Collection method: clinical testing. Allele origin: germline.

All of Us Research Program, National Institutes of Health
Classification: Likely benign for Familial thoracic aortic aneurysm and aortic dissection. Last evaluated: 2023-12-13. Review status: criteria provided, single submitter. Criteria: ACMG Guidelines, 2015. Collection method: clinical testing. Allele origin: germline. Inheritance: Autosomal dominant inheritance. Observed: 6 variant alleles, 6 heterozygotes.
Comment: This study involves interpretation of variants in research participants for the purpose of population health screening. Participant phenotype was not available at the time of variant classification. Additional details can be found in publication PMID: 35346344, PMCID: PMC8962531

Women's Health and Genetics/Laboratory Corporation of America, LabCorp
Classification: Likely benign. Last evaluated: 2023-01-09. Review status: criteria provided, single submitter. Criteria: LabCorp Variant Classification Summary - May 2015. Collection method: clinical testing. Allele origin: germline.

Ambry Genetics
Classification: Likely benign for Familial thoracic aortic aneurysm and aortic dissection. Last evaluated: 2022-08-30. Review status: criteria provided, single submitter. Criteria: Ambry Variant Classification Scheme 2023. Collection method: clinical testing. Allele origin: germline.

Color Diagnostics, LLC DBA Color Health
Classification: Likely benign for Familial thoracic aortic aneurysm and aortic dissection. Last evaluated: 2019-01-11. Review status: criteria provided, single submitter. Criteria: ACMG Guidelines, 2015. Collection method: clinical testing. Allele origin: germline.